The following is an entry in ClinVar:

NM_139276.3(STAT3):c.1139+3A>T

Gene: STAT3 (signal transducer and activator of transcription 3; minus strand). Cytogenetic location: 17q21.2.
Variant type: single nucleotide variant.
Coding change: c.1139+3A>T on transcript NM_139276.3 (MANE Select); 3 bases into the intron after coding-DNA position 1139, A replaced by T.
Molecular consequence: intron variant.
Genome position (GRCh38, 1-based): chr17:42,329,744, T>A on the plus strand (A>T on the coding strand, the complement: STAT3 is on the minus strand). VCF-style: chr17-42329744-T-A. GRCh37 (hg19) VCF-style: chr17-40481762-T-A.
Other names: c.1043+3A>T (NM_001384989.1); c.1079+3A>T (NM_001384992.1); c.1139+3A>T (NM_001384984.1, NM_001369519.1, NM_003150.4 and 12 more transcripts); c.1061+3A>T (NM_001384985.1); c.1154+3A>T (NM_001384986.1, NM_001384990.1).
Identifiers: ClinVar variation 1501473 (VCV001501473.1), dbSNP rs2144777866, ClinGen allele CA2573153788.

ClinVar aggregate classification (germline): Uncertain significance (1 of 4 stars; one submission).

Conditions:
STAT3 gain of function. Identifiers: MedGen C4288261.
Hyper-IgE recurrent infection syndrome 1, autosomal dominant. Also called: STAT3 Hyper IgE Syndrome; HYPER-IgE SYNDROME 1, AUTOSOMAL DOMINANT, WITH RECURRENT INFECTIONS; JOB SYNDROME; Job's Syndrome; Hyper-IgE recurrent infection syndrome 1. Identifiers: Orphanet 2314, MedGen C2936739, MONDO:0007818, OMIM 147060.

Submission:

Labcorp Genetics (formerly Invitae), Labcorp
Classification: Uncertain significance for STAT3 gain of function; Hyper-IgE recurrent infection syndrome 1, autosomal dominant. Last evaluated: 2021-03-10. Review status: criteria provided, single submitter. Criteria: Invitae Variant Classification Sherloc (09022015). Collection method: clinical testing. Allele origin: germline.
Comment: This sequence change falls in intron 12 of the STAT3 gene. It does not directly change the encoded amino acid sequence of the STAT3 protein. It affects a nucleotide within the consensus splice site of the intron. This variant is not present in population databases (ExAC no frequency). This variant has not been reported in the literature in individuals with STAT3-related conditions. Nucleotide substitutions within the consensus splice site are a relatively common cause of aberrant splicing (PMID: 17576681, 9536098). Algorithms developed to predict the effect of sequence changes on RNA splicing suggest that this variant may disrupt the consensus splice site, but this prediction has not been confirmed by published transcriptional studies. In summary, the available evidence is currently insufficient to determine the role of this variant in disease. Therefore, it has been classified as a Variant of Uncertain Significance.

Literature cited by the submitters: PubMed 17576681; PubMed 9536098.